The following is an entry in ClinVar:

ClinVar aggregate classification (germline): Uncertain significance (1 of 4 stars; one submission).

Conditions:
SERPINB6-related disorder. Also called: SERPINB6-related condition.

Submission:

PreventionGenetics, part of Exact Sciences
Classification: Uncertain significance for SERPINB6-related condition. Last evaluated: 2025-08-16. Review status: criteria provided, single submitter. Criteria: ACMG Guidelines, 2015. Collection method: clinical testing. Allele origin: germline.
Comment: The SERPINB6 c.352A>G variant is predicted to result in the amino acid substitution p.Met118Val. To our knowledge, this variant has not been reported in the literature. This variant is reported in 0.00077% of alleles in individuals of European (Non-Finnish) descent in gnomAD. At this time, the clinical significance of this variant is uncertain due to the absence of conclusive functional and genetic evidence.

NM_004568.6(SERPINB6):c.352A>G (p.Met118Val)

Gene: SERPINB6 (serpin family B member 6; minus strand). Cytogenetic location: 6p25.2.
Variant type: single nucleotide variant.
Coding change: c.352A>G on transcript NM_004568.6 (MANE Select); coding-DNA position 352, A replaced by G.
Protein change: p.Met118Val; replaces methionine 118 with valine.
Molecular consequence: missense variant. On other transcripts: non-coding transcript variant (1).
Genome position (GRCh38, 1-based): chr6:2,954,670, T>C on the plus strand (A>G on the coding strand, the complement: SERPINB6 is on the minus strand). VCF-style: chr6-2954670-T-C. GRCh37 (hg19) VCF-style: chr6-2954904-T-C.
Other names: c.364A>G, p.Met122Val (NM_001195291.3, NM_001374515.1); c.394A>G, p.Met132Val (NM_001271822.2); c.409A>G, p.Met137Val (NM_001271823.2); c.352A>G, p.Met118Val (NM_001271824.2, NM_001271825.2, NM_001297699.2 and 2 more transcripts); c.220A>G, p.Met74Val (NM_001374517.1); short protein forms M122V, M74V, M118V, M132V, M137V.
Identifiers: ClinVar variation 4985614 (VCV004985614.1).